The following is an entry in ClinVar:

NM_000443.4(ABCB4):c.3694C>T (p.Arg1232Cys)

Gene: ABCB4 (ATP binding cassette subfamily B member 4; minus strand). Cytogenetic location: 7q21.12.
Variant type: single nucleotide variant.
Coding change: c.3694C>T on transcript NM_000443.4 (MANE Select); coding-DNA position 3694, C replaced by T.
Protein change: p.Arg1232Cys; replaces arginine 1232 with cysteine.
Molecular consequence: missense variant.
Genome position (GRCh38, 1-based): chr7:87,402,242, G>A on the plus strand (C>T on the coding strand, the complement: ABCB4 is on the minus strand). VCF-style: chr7-87402242-G-A. GRCh37 (hg19) VCF-style: chr7-87031558-G-A.
Other names: c.3715C>T, p.Arg1239Cys (NM_018849.3); c.3553C>T, p.Arg1185Cys (NM_018850.3); short protein forms R1185C, R1232C, R1239C.
Identifiers: ClinVar variation 2690801 (VCV002690801.3), dbSNP rs369147999, ClinGen allele CA4326707.

ClinVar aggregate classification (germline): Uncertain significance. Review status: criteria provided, multiple submitters, no conflicts (2 of 4 stars). 2 submissions from 2 submitters: Uncertain significance (2). Last evaluated 2026-04-14.

Conditions:
Familial intrahepatic cholestasis. Identifiers: Orphanet 284385, MedGen CN296401, MONDO:0017290.

Allele frequency attached by ClinVar (database versions not stated): ESP Exome Variant Server 0.00008; gnomAD 0.00001; gnomAD exomes 0.00001; TOPMed 0.00001; ExAC 0.00004.
gnomAD v4.1: 10 of 1,613,888 alleles (0.00062%); highest among the groups gnomAD compares: Middle Eastern, 0.016%; no homozygotes.

Submissions (2):

Genomenon, Inc
Classification: Uncertain significance for Familial intrahepatic cholestasis. Last evaluated: 2026-04-14. Review status: criteria provided, single submitter. Criteria: Genomenon Sequence Variant Interpretation Standards - Updated. Collection method: curation. Allele origin: germline. Affected: no.
Comment: ABCB4 p.Arg1232Cys (c.3694C>T) is a missense variant that changes the amino acid at residue 1232 from Arginine to Cysteine. This variant has been reported in the published literature (PMID:34942279). It is absent or not present at a significant frequency in gnomAD. In silico models predict that this variant is possibly or probably damaging. In conclusion, we classify ABCB4 p.Arg1232Cys (c.3694C>T) as a variant of uncertain significance.

Revvity Omics, Revvity
Classification: Uncertain significance. Last evaluated: 2023-11-08. Review status: criteria provided, single submitter. Criteria: ACMG Guidelines, 2015. Collection method: clinical testing. Allele origin: germline.

Literature cited by the submitters: PubMed 34942279 (cited by Genomenon, Inc).